The following is an entry in ClinVar:

ClinVar aggregate classification (germline): Uncertain significance (1 of 4 stars; one submission).

gnomAD v4.1: 2 of 1,613,370 alleles (0.00012%); highest among the groups gnomAD compares: Admixed American, 0.0017%; no homozygotes.

Submission:

Dasa
Classification: Uncertain significance. Last evaluated: 2025-11-11. Review status: criteria provided, single submitter. Criteria: DASA Assertion Criteria. Collection method: clinical testing. Allele origin: germline.
Comment: NM_032217.5(ANKRD17):c.1153T>A (p.Leu385Met) is a missense variant that results in the substitution of leucine with methionine. This variant is rare in population databases. The currently available literature and clinical evidence are not sufficient to establish a definitive association between this variant and the reported condition. Therefore, this variant is classified as a variant of uncertain significance.

NM_032217.5(ANKRD17):c.1153T>A (p.Leu385Met)

Gene: ANKRD17 (ankyrin repeat domain 17; minus strand). Cytogenetic location: 4q13.3.
Variant type: single nucleotide variant.
Coding change: c.1153T>A on transcript NM_032217.5 (MANE Select); coding-DNA position 1153, T replaced by A.
Protein change: p.Leu385Met; replaces leucine 385 with methionine.
Molecular consequence: missense variant.
Genome position (GRCh38, 1-based): chr4:73,153,961, A>T on the plus strand (T>A on the coding strand, the complement: ANKRD17 is on the minus strand). VCF-style: chr4-73153961-A-T. GRCh37 (hg19) VCF-style: chr4-74019678-A-T.
Other names: c.814T>A, p.Leu272Met (NM_001286771.3); c.1153T>A, p.Leu385Met (NM_015574.2, NM_198889.3); short protein forms L272M, L385M.
Identifiers: ClinVar variation 4886665 (VCV004886665.2).